The following is an entry in ClinVar:

ClinVar aggregate classification (germline): Uncertain significance. Review status: criteria provided, multiple submitters, no conflicts (2 of 4 stars). 2 submissions from 2 submitters: Uncertain significance (2). Last evaluated 2025-03-17.

Conditions:
Hereditary cancer-predisposing syndrome. Also called: Neoplastic Syndromes, Hereditary; Tumor predisposition; Hereditary Cancer Syndrome; Hereditary neoplastic syndrome. Identifiers: Orphanet 140162, MedGen C0027672, MeSH D009386, MONDO:0015356.
Gastrointestinal stromal tumor. Also called: Gastrointestinal stromal tumor, somatic; Gastrointestinal stroma tumor. Identifiers: Orphanet 44890, MedGen C0238198, MeSH D046152, MONDO:0011719, OMIM 606764, HP:0100723.

gnomAD v4.1: 1 of 1,613,834 alleles (0.000062%); no homozygotes.

Submissions (2):

Labcorp Genetics (formerly Invitae), Labcorp
Classification: Uncertain significance for Gastrointestinal stromal tumor. Last evaluated: 2025-03-17. Review status: criteria provided, single submitter. Criteria: Invitae Variant Classification Sherloc (09022015). Collection method: clinical testing. Allele origin: germline.
Comment: This sequence change replaces lysine, which is basic and polar, with threonine, which is neutral and polar, at codon 258 of the KIT protein (p.Lys258Thr). This variant is not present in population databases (gnomAD no frequency). This variant has not been reported in the literature in individuals affected with KIT-related conditions. ClinVar contains an entry for this variant (Variation ID: 656798). An algorithm developed to predict the effect of missense changes on protein structure and function (PolyPhen-2) suggests that this variant is likely to be tolerated. In summary, the available evidence is currently insufficient to determine the role of this variant in disease. Therefore, it has been classified as a Variant of Uncertain Significance.

Ambry Genetics
Classification: Uncertain significance for Hereditary cancer-predisposing syndrome. Last evaluated: 2023-08-01. Review status: criteria provided, single submitter. Criteria: Ambry Variant Classification Scheme 2023. Collection method: clinical testing. Allele origin: germline.
Comment: The p.K258T variant (also known as c.773A>C), located in coding exon 5 of the KIT gene, results from an A to C substitution at nucleotide position 773. The lysine at codon 258 is replaced by threonine, an amino acid with similar properties. This amino acid position is conserved. In addition, this alteration is predicted to be tolerated by in silico analysis. Since supporting evidence is limited at this time, the clinical significance of this alteration remains unclear.

NM_000222.3(KIT):c.773A>C (p.Lys258Thr)

Gene: KIT (KIT proto-oncogene, receptor tyrosine kinase; plus strand). Cytogenetic location: 4q12.
Variant type: single nucleotide variant.
Coding change: c.773A>C on transcript NM_000222.3 (MANE Select); coding-DNA position 773, A replaced by C.
Protein change: p.Lys258Thr; replaces lysine 258 with threonine.
Molecular consequence: missense variant.
Genome position (GRCh38, 1-based): chr4:54,703,740, A>C. VCF-style: chr4-54703740-A-C. GRCh37 (hg19) VCF-style: chr4-55569906-A-C.
Other names: c.773A>C, p.Lys258Thr (NM_001093772.2, NM_001385285.1, NM_001385286.1); c.776A>C, p.Lys259Thr (NM_001385284.1, NM_001385288.1, NM_001385290.1 and 1 more transcripts); short protein forms K258T, K259T.
Identifiers: ClinVar variation 656798 (VCV000656798.11), dbSNP rs1577963039, ClinGen allele CA356899290.